The following is an entry in ClinVar:

ClinVar aggregate classification (germline): Uncertain significance. Review status: criteria provided, multiple submitters, no conflicts (2 of 4 stars). 2 submissions from 2 submitters: Uncertain significance (2). Last evaluated 2024-01-08.

Submissions (2):

Ambry Genetics
Classification: Uncertain significance. Last evaluated: 2024-01-08. Review status: criteria provided, single submitter. Criteria: Ambry Variant Classification Scheme 2023. Collection method: clinical testing. Allele origin: germline.

Labcorp Genetics (formerly Invitae), Labcorp
Classification: Uncertain significance. Last evaluated: 2021-12-02. Review status: criteria provided, single submitter. Criteria: Invitae Variant Classification Sherloc (09022015). Collection method: clinical testing. Allele origin: germline.
Comment: This variant has not been reported in the literature in individuals affected with HMCN1-related conditions. This variant is not present in population databases (gnomAD no frequency). This sequence change replaces glycine, which is neutral and non-polar, with arginine, which is basic and polar, at codon 1872 of the HMCN1 protein (p.Gly1872Arg). Algorithms developed to predict the effect of missense changes on protein structure and function are either unavailable or do not agree on the potential impact of this missense change (SIFT: "Deleterious"; PolyPhen-2: "Probably Damaging"; Align-GVGD: "Class C0"). In summary, the available evidence is currently insufficient to determine the role of this variant in disease. Therefore, it has been classified as a Variant of Uncertain Significance. Algorithms developed to predict the effect of sequence changes on RNA splicing suggest that this variant may create or strengthen a splice site.

NM_031935.3(HMCN1):c.5614G>A (p.Gly1872Arg)

Gene: HMCN1 (hemicentin 1; plus strand). Cytogenetic location: 1q31.1.
Variant type: single nucleotide variant.
Coding change: c.5614G>A on transcript NM_031935.3 (MANE Select); coding-DNA position 5614, G replaced by A.
Protein change: p.Gly1872Arg; replaces glycine 1872 with arginine.
Molecular consequence: missense variant.
Genome position (GRCh38, 1-based): chr1:186,019,684, G>A. VCF-style: chr1-186019684-G-A. GRCh37 (hg19) VCF-style: chr1-185988816-G-A.
Other names: c.5614G>A (NM_031935.2); short protein forms G1872R.
Identifiers: ClinVar variation 2027242 (VCV002027242.5), dbSNP rs2527547300, ClinGen allele CA343893619.